The following is an entry in ClinVar:

NM_020822.3(KCNT1):c.2244-184G>A

Gene: KCNT1 (potassium sodium-activated channel subfamily T member 1; plus strand). Cytogenetic location: 9q34.3.
Variant type: single nucleotide variant.
Coding change: c.2244-184G>A on transcript NM_020822.3 (MANE Select); 184 bases into the intron before coding-DNA position 2244, G replaced by A.
Molecular consequence: intron variant.
Genome position (GRCh38, 1-based): chr9:135,775,126, G>A. VCF-style: chr9-135775126-G-A. GRCh37 (hg19) VCF-style: chr9-138666972-G-A.
Other names: c.2109-184G>A (NM_001272003.2).
Identifiers: ClinVar variation 682425 (VCV000682425.1), dbSNP rs78888390, ClinGen allele CA201476019.

ClinVar aggregate classification (germline): Benign (1 of 4 stars; one submission).

Allele frequency attached by ClinVar (database versions not stated): 1000 Genomes Project 0.03295; 1000 Genomes Project 30x 0.03498; gnomAD 0.03685; TOPMed 0.04037.

Submission:

GeneDx
Classification: Benign. Last evaluated: 2018-06-19. Review status: criteria provided, single submitter. Criteria: GeneDx Variant Classification (06012015). Collection method: clinical testing. Allele origin: germline. Affected: yes.
Comment: This variant is considered likely benign or benign based on one or more of the following criteria: it is a conservative change, it occurs at a poorly conserved position in the protein, it is predicted to be benign by multiple in silico algorithms, and/or has population frequency not consistent with disease.